The following is an entry in ClinVar:

NM_024844.5(NUP85):c.1465T>C (p.Trp489Arg)

Genes: GGA3 (golgi associated, gamma adaptin ear containing, ARF binding protein 3; minus strand), NUP85 (nucleoporin 85; plus strand). Cytogenetic location: 17q25.1.
Variant type: single nucleotide variant.
Coding change: c.1465T>C on transcript NM_024844.5 (MANE Select); coding-DNA position 1465, T replaced by C.
Protein change: p.Trp489Arg; replaces tryptophan 489 with arginine.
Molecular consequence: missense variant.
Genome position (GRCh38, 1-based): chr17:75,232,919, T>C. VCF-style: chr17-75232919-T-C. GRCh37 (hg19) VCF-style: chr17-73229014-T-C.
Other names: c.1327T>C, p.Trp443Arg (NM_001303276.2); c.1330T>C, p.Trp444Arg (NM_001330472.2); short protein forms W443R, W444R, W489R.
Identifiers: ClinVar variation 1030881 (VCV001030881.1), dbSNP rs2076132007, ClinGen allele CA400989174.

ClinVar aggregate classification (germline): Uncertain significance (1 of 4 stars; one submission).

Conditions:
Nephrotic syndrome, type 17. Identifiers: MedGen C4748545, MONDO:0032580, OMIM 618176.

Submission:

Baylor Genetics
Classification: Uncertain significance for Nephrotic syndrome, type 17. Last evaluated: 2020-06-19. Review status: criteria provided, single submitter. Criteria: ACMG Guidelines, 2015. Collection method: clinical testing. Allele origin: unknown. Affected: yes.
Comment: This variant was determined to be of uncertain significance according to ACMG Guidelines, 2015 [PMID:25741868].